The following is an entry in ClinVar:

NM_198578.4(LRRK2):c.3035A>G (p.His1012Arg)

Gene: LRRK2 (leucine rich repeat kinase 2; plus strand). Cytogenetic location: 12q12.
Variant type: single nucleotide variant.
Coding change: c.3035A>G on transcript NM_198578.4 (MANE Select); coding-DNA position 3035, A replaced by G.
Protein change: p.His1012Arg; replaces histidine 1012 with arginine.
Molecular consequence: missense variant.
Genome position (GRCh38, 1-based): chr12:40,295,583, A>G. VCF-style: chr12-40295583-A-G. GRCh37 (hg19) VCF-style: chr12-40689385-A-G.
Other names: short protein forms H1012R.
Identifiers: ClinVar variation 2587236 (VCV002587236.2), dbSNP rs769306194, ClinGen allele CA384412919.

ClinVar aggregate classification (germline): Uncertain significance (1 of 4 stars; one submission).

Conditions:
Inborn genetic diseases. Identifiers: MedGen C0950123, MeSH D030342.

Allele frequency attached by ClinVar (database versions not stated): gnomAD exomes below 0.00001.
gnomAD v4.1: 1 of 1,614,098 alleles (0.000062%); highest among the groups gnomAD compares: Non-Finnish European, 0.000085%; no homozygotes.

Submission:

Ambry Genetics
Classification: Uncertain significance for Inborn genetic diseases. Last evaluated: 2023-06-24. Review status: criteria provided, single submitter. Criteria: Ambry Variant Classification Scheme 2023. Collection method: clinical testing. Allele origin: germline.
Comment: The p.H1012R variant (also known as c.3035A>G), located in coding exon 23 of the LRRK2 gene, results from an A to G substitution at nucleotide position 3035. The histidine at codon 1012 is replaced by arginine, an amino acid with highly similar properties. This amino acid position is conserved. In addition, this alteration is predicted to be tolerated by in silico analysis. Since supporting evidence is limited at this time, the clinical significance of this alteration remains unclear.